The following is an entry in ClinVar:

NM_002439.5(MSH3):c.3344A>T (p.Asn1115Ile)

Gene: MSH3 (mutS homolog 3; plus strand). Cytogenetic location: 5q14.1.
Variant type: single nucleotide variant.
Coding change: c.3344A>T on transcript NM_002439.5 (MANE Select); coding-DNA position 3344, A replaced by T.
Protein change: p.Asn1115Ile; replaces asparagine 1115 with isoleucine.
Molecular consequence: missense variant.
Genome position (GRCh38, 1-based): chr5:80,875,792, A>T. VCF-style: chr5-80875792-A-T. GRCh37 (hg19) VCF-style: chr5-80171611-A-T.
Other names: short protein forms N1115I.
Identifiers: ClinVar variation 1730441 (VCV001730441.6), dbSNP rs1177481443, ClinGen allele CA360347359.

ClinVar aggregate classification (germline): Uncertain significance. Review status: criteria provided, multiple submitters, no conflicts (2 of 4 stars). 2 submissions from 2 submitters: Uncertain significance (2). Last evaluated 2024-08-13.

Conditions:
Hereditary cancer-predisposing syndrome. Also called: Neoplastic Syndromes, Hereditary; Tumor predisposition; Hereditary Cancer Syndrome; Hereditary neoplastic syndrome. Identifiers: Orphanet 140162, MedGen C0027672, MeSH D009386, MONDO:0015356.

Allele frequency attached by ClinVar (database versions not stated): gnomAD 0.00001; TOPMed 0.00001; 1000 Genomes Project 30x 0.00016.
gnomAD v4.1: 2 of 1,614,006 alleles (0.00012%); highest among the groups gnomAD compares: East Asian, 0.0022%; no homozygotes.

Submissions (2):

Labcorp Genetics (formerly Invitae), Labcorp
Classification: Uncertain significance. Last evaluated: 2024-08-13. Review status: criteria provided, single submitter. Criteria: Invitae Variant Classification Sherloc (09022015). Collection method: clinical testing. Allele origin: germline.
Comment: This sequence change replaces asparagine, which is neutral and polar, with isoleucine, which is neutral and non-polar, at codon 1115 of the MSH3 protein (p.Asn1115Ile). This variant is not present in population databases (gnomAD no frequency). This variant has not been reported in the literature in individuals affected with MSH3-related conditions. ClinVar contains an entry for this variant (Variation ID: 1730441). An algorithm developed to predict the effect of missense changes on protein structure and function (PolyPhen-2) suggests that this variant is likely to be tolerated. In summary, the available evidence is currently insufficient to determine the role of this variant in disease. Therefore, it has been classified as a Variant of Uncertain Significance.

Ambry Genetics
Classification: Uncertain significance for Hereditary cancer-predisposing syndrome. Last evaluated: 2024-06-14. Review status: criteria provided, single submitter. Criteria: Ambry Variant Classification Scheme 2023. Collection method: clinical testing. Allele origin: germline.
Comment: The p.N1115I variant (also known as c.3344A>T), located in coding exon 24 of the MSH3 gene, results from an A to T substitution at nucleotide position 3344. The asparagine at codon 1115 is replaced by isoleucine, an amino acid with dissimilar properties. This amino acid position is conserved. In addition, this alteration is predicted to be tolerated by in silico analysis. Since supporting evidence is limited at this time, the clinical significance of this alteration remains unclear.